The following is an entry in ClinVar:

ClinVar aggregate classification (germline): Uncertain significance (1 of 4 stars; one submission).

Conditions:
Deficiency of acetyl-CoA acetyltransferase. Also called: 3-KETOTHIOLASE DEFICIENCY; 3-OXOTHIOLASE DEFICIENCY; Beta-ketothiolase deficiency; MITOCHONDRIAL ACETOACETYL-CoA THIOLASE DEFICIENCY. Identifiers: Orphanet 134, MedGen C1536500, MONDO:0008760, OMIM 203750. Disease mechanism: loss of function.

gnomAD v4.1: 5 of 1,613,862 alleles (0.00031%); highest among the groups gnomAD compares: Non-Finnish European, 0.00042%; no homozygotes.

Submission:

ARUP Laboratories, Molecular Genetics and Genomics, ARUP Laboratories
Classification: Uncertain significance for Deficiency of acetyl-CoA acetyltransferase. Last evaluated: 2025-04-24. Review status: criteria provided, single submitter. Criteria: ARUP Molecular Germline Variant Investigation Process 2024. Collection method: clinical testing. Allele origin: germline.
Comment: The ACAT1 c.1208A>G; p.Lys403Arg variant (rs1196894480), to our knowledge, is not reported in the medical literature or gene specific databases. This variant is also absent from the Genome Aggregation Database (v2.1.1), indicating it is not a common polymorphism. Computational analyses are uncertain whether this variant is neutral or deleterious (REVEL: 0.316). Due to limited information, the clinical significance of this variant is uncertain at this time.

NM_000019.4(ACAT1):c.1208A>G (p.Lys403Arg)

Gene: ACAT1 (acetyl-CoA acetyltransferase 1; plus strand). Cytogenetic location: 11q22.3.
Variant type: single nucleotide variant.
Coding change: c.1208A>G on transcript NM_000019.4 (MANE Select); coding-DNA position 1208, A replaced by G.
Protein change: p.Lys403Arg; replaces lysine 403 with arginine.
Molecular consequence: missense variant. On other transcripts: non-coding transcript variant (2).
Genome position (GRCh38, 1-based): chr11:108,147,314, A>G. VCF-style: chr11-108147314-A-G. GRCh37 (hg19) VCF-style: chr11-108018041-A-G.
Other names: c.938A>G, p.Lys313Arg (NM_001386681.1, NM_001386682.1, NM_001386685.1 and 6 more transcripts); c.1229A>G, p.Lys410Arg (NM_001386677.1); c.893A>G, p.Lys298Arg (NM_001386678.1); c.911A>G, p.Lys304Arg (NM_001386679.1); short protein forms K298R, K304R, K313R, K403R, K410R.
Identifiers: ClinVar variation 4685777 (VCV004685777.1).
Genomic context (GRCh38, chr11:108,147,314, plus strand): 5'-GCTTTCTTAATTTTAGGATGTCTGGAGCCAGGATTGTTGGTCATTTGACTCATGCCTTGA[A>G]GCAAGGAGAATACGGTCTTGCCAGTATTTGCAATGGAGGAGGAGGTGCTTCTGCCATGCT-3'
Protein context (NP_000010.1, residues 393-413): RIVGHLTHAL[Lys403Arg]QGEYGLASIC